The following is an entry in ClinVar:

ClinVar aggregate classification (germline): Benign/Likely benign. Review status: criteria provided, multiple submitters, no conflicts (2 of 4 stars). 15 submissions from 15 submitters: Benign (9); Likely benign (1). 5 of the submissions do not count toward it. Last evaluated 2026-02-04.

Conditions:
Cardiovascular phenotype. Identifiers: MedGen CN230736.
X-linked myopathy with postural muscle atrophy. Also called: FHL1-Related Emery-Dreifuss Muscular Dystrophy, X-Linked. Identifiers: Orphanet 178461, MedGen C2678055, MONDO:0010401, OMIM 300696.

Allele frequency attached by ClinVar (database versions not stated): ESP Exome Variant Server 0.01306; gnomAD exomes 0.01693 and 0.01086; 1000 Genomes Project 0.00477; 1000 Genomes Project 30x 0.00520; TOPMed 0.01100; ExAC 0.01128; gnomAD 0.01166 and 0.01175.
gnomAD v4.1: 19,662 of 1,208,769 alleles (1.6%); highest among the groups gnomAD compares: Non-Finnish European, 2%; 140 homozygotes.

Submissions (15):

Labcorp Genetics (formerly Invitae), Labcorp
Classification: Benign for X-linked myopathy with postural muscle atrophy. Last evaluated: 2026-02-04. Review status: criteria provided, single submitter. Criteria: Invitae Variant Classification Sherloc (09022015). Collection method: clinical testing. Allele origin: germline.

ARUP Laboratories, Molecular Genetics and Genomics, ARUP Laboratories
Classification: Benign. Last evaluated: 2025-07-22. Review status: criteria provided, single submitter. Criteria: ARUP Molecular Germline Variant Investigation Process 2024. Collection method: clinical testing. Allele origin: germline.

Blueprint Genetics
Classification: Likely benign. Last evaluated: 2024-11-28. Review status: criteria provided, single submitter. Criteria: ACMG Guidelines, 2015. Collection method: clinical testing. Allele origin: germline.

Mayo Clinic Laboratories, Mayo Clinic
Classification: Benign. Last evaluated: 2023-05-31. Review status: criteria provided, single submitter. Criteria: ACMG Guidelines, 2015. Collection method: clinical testing. Allele origin: germline. Observed: 37 variant alleles.
Comment: BS1, BS2

Women's Health and Genetics/Laboratory Corporation of America, LabCorp
Classification: Benign. Last evaluated: 2021-04-29. Review status: criteria provided, single submitter. Criteria: LabCorp Variant Classification Summary - May 2015. Collection method: clinical testing. Allele origin: germline.
Comment: Variant summary: FHL1 c.*51G>A is located in the untranslated mRNA region downstream of the termination codon. The variant allele was found at a frequency of 0.011 in 183528 control chromosomes in the gnomAD database, including 17 homozygotes. The observed variant frequency is approximately 28 fold of the estimated maximal expected allele frequency for a pathogenic variant in FHL1 causing Emery-Dreifuss Muscular Dystrophy phenotype (0.00039), strongly suggesting that the variant is benign. To our knowledge, no occurrence of c.*51G>A in individuals affected with Emery-Dreifuss Muscular Dystrophy and no experimental evidence demonstrating its impact on protein function have been reported. Five clinical diagnostic laboratories have submitted clinical-significance assessments for this variant to ClinVar after 2014 without evidence for independent evaluation. All laboratories classified the variant as benign. Based on the evidence outlined above, the variant was classified as benign.

Ambry Genetics
Classification: Benign for Cardiovascular phenotype. Last evaluated: 2019-01-03. Review status: criteria provided, single submitter. Criteria: Ambry Variant Classification Scheme 2023. Collection method: clinical testing. Allele origin: germline.

Athena Diagnostics
Classification: Benign. Last evaluated: 2018-08-24. Review status: criteria provided, single submitter. Criteria: Athena Diagnostics Criteria. Collection method: clinical testing. Allele origin: germline.

GeneDx
Classification: Benign. Last evaluated: 2016-03-04. Review status: criteria provided, single submitter. Criteria: GeneDx Variant Classification (06012015). Collection method: clinical testing. Allele origin: germline. Affected: yes.
Comment: This variant is considered likely benign or benign based on one or more of the following criteria: it is a conservative change, it occurs at a poorly conserved position in the protein, it is predicted to be benign by multiple in silico algorithms, and/or has population frequency not consistent with disease.

Eurofins Ntd Llc (ga)
Classification: Benign. Last evaluated: 2015-12-03. Review status: criteria provided, single submitter. Criteria: EGL Classification Definitions 2015. Collection method: clinical testing. Allele origin: germline. Observed: 1 variant allele, 1 heterozygote.

Breakthrough Genomics
Classification: Benign. Review status: criteria provided, single submitter. Criteria: ACMG Guidelines, 2015. Collection method: not provided. Allele origin: germline. Inheritance: X-linked inheritance. Affected: yes.

Clinical Genetics DNA and cytogenetics Diagnostics Lab, Erasmus MC, Erasmus Medical Center
Classification: Benign. Review status: no assertion criteria provided. Collection method: clinical testing. Allele origin: germline. Affected: yes. Study: VKGL Data-share Consensus. Not counted in ClinVar's aggregate classification.

Clinical Genetics, Academic Medical Center
Classification: Benign. Review status: no assertion criteria provided. Collection method: clinical testing. Allele origin: germline. Affected: yes. Study: VKGL Data-share Consensus. Not counted in ClinVar's aggregate classification.

Genome Diagnostics Laboratory, University Medical Center Utrecht
Classification: Benign. Review status: no assertion criteria provided. Collection method: clinical testing. Allele origin: germline. Affected: yes. Study: VKGL Data-share Consensus. Not counted in ClinVar's aggregate classification.

Joint Genome Diagnostic Labs from Nijmegen and Maastricht, Radboudumc and MUMC+
Classification: Likely benign. Review status: no assertion criteria provided. Collection method: clinical testing. Allele origin: germline. Affected: yes. Study: VKGL Data-share Consensus. Not counted in ClinVar's aggregate classification.

Laboratory of Diagnostic Genome Analysis, Leiden University Medical Center (LUMC)
Classification: Likely benign. Review status: no assertion criteria provided. Collection method: clinical testing. Allele origin: germline. Affected: yes. Study: VKGL Data-share Consensus. Not counted in ClinVar's aggregate classification.

Literature cited by the submitters: PubMed 27443559 (cited by Athena Diagnostics); PubMed 28611399 (cited by Athena Diagnostics); PubMed 19687455 (cited by Athena Diagnostics); PubMed 19377476 (cited by Athena Diagnostics); PubMed 22523091 (cited by Athena Diagnostics).

NM_001159699.2(FHL1):c.871G>A (p.Asp291Asn)

Gene: FHL1 (four and a half LIM domains 1; plus strand). Cytogenetic location: Xq26.3.
Variant type: single nucleotide variant.
Coding change: c.871G>A on transcript NM_001159699.2 (MANE Select); coding-DNA position 871, G replaced by A.
Protein change: p.Asp291Asn; replaces aspartic acid 291 with asparagine.
Molecular consequence: missense variant. On other transcripts: 3 prime UTR variant (6), non-coding transcript variant (1).
Genome position (GRCh38, 1-based): chrX:136,210,005, G>A. VCF-style: chrX-136210005-G-A. GRCh37 (hg19) VCF-style: chrX-135292164-G-A.
Other names: p.Asp275Asn; c.823G>A, p.Asp275Asn (NM_001159700.2, NM_001159704.1, NM_001167819.1 and 4 more transcripts); c.910G>A, p.Asp304Asn (NM_001159701.2); c.*51G>A (NM_001159702.3, NM_001159703.2, NM_001330659.2 and 3 more transcripts); short protein forms D275N, D291N, D304N.
Identifiers: ClinVar variation 239013 (VCV000239013.41), dbSNP rs151315725, ClinGen allele CA10525140.